The following is an entry in ClinVar:

NM_000059.4(BRCA2):c.7270dup (p.Arg2424fs)

Gene: BRCA2 (BRCA2 DNA repair associated; plus strand). Cytogenetic location: 13q13.1.
Variant type: Duplication.
Coding change: c.7270dup on transcript NM_000059.4 (MANE Select); coding-DNA position 7270, one base duplicated (A; older notation c.7270dupA).
Protein change: p.Arg2424fs; shifts the reading frame from arginine 2424.
Molecular consequence: frameshift variant.
Genome position (GRCh38, 1-based): chr13:32,355,123, A duplicated. VCF-style (leftmost placement, unchanged base first): chr13-32355122-T-TA. GRCh37 (hg19) VCF-style: chr13-32929259-T-TA.
Other names: short protein forms R2424fs.
Identifiers: ClinVar variation 929032 (VCV000929032.2), dbSNP rs2072681595, ClinGen allele CA1139663172.

ClinVar aggregate classification (germline): Pathogenic/Likely pathogenic. Review status: criteria provided, multiple submitters, no conflicts (2 of 4 stars). 2 submissions from 2 submitters: Pathogenic (1); Likely pathogenic (1). Last evaluated 2025-05-15.

Conditions:
Hereditary breast ovarian cancer syndrome. Also called: Hereditary breast and ovarian cancer syndrome; Hereditary breast and ovarian cancer syndrome (HBOC); Hereditary breast and/or ovarian cancer syndrome; Hereditary breast and ovarian cancer; Breast and ovarian cancer; BRCA1- and BRCA2-Associated Hereditary Breast and Ovarian Cancer. Identifiers: Orphanet 145, MedGen C0677776, MeSH D061325, MONDO:0003582. Disease mechanism: loss of function.

Submissions (2):

GeneKor MSA
Classification: Pathogenic for Hereditary breast ovarian cancer syndrome. Last evaluated: 2025-05-15. Review status: criteria provided, single submitter. Criteria: ACMG Guidelines, 2015. Collection method: clinical testing. Allele origin: germline.
Comment: This variant is a single nucleotide duplication in exon 14 of the BRCA2 mRNA c.(7270dupA). This creates a premature translational stop signal 4 amino acid residues later p.(Arg2424Lysfs*4) and is expected to result in an absent or non-functional protein product. Loss-of-function variants in BRCA2 are known to be pathogenic (PMID:20104584). This alteration is not present in population databases (rs2072681595). The mutation database ClinVar contains entries for this variant where it is listed as pathogenic (VCV000929032.1). Based on the classification criteria set by the ACMG and AMP (PMID:25741868) this variant has been classified as pathogenic.

Women's Health and Genetics/Laboratory Corporation of America, LabCorp
Classification: Likely pathogenic for Hereditary breast and ovarian cancer syndrome. Last evaluated: 2019-01-29. Review status: criteria provided, single submitter. Criteria: LabCorp Variant Classification Summary - May 2015. Collection method: clinical testing. Allele origin: germline.
Comment: Variant summary: BRCA2 c.7270dupA (p.Arg2424LysfsX4) results in a premature termination codon, predicted to cause a truncation of the encoded protein or absence of the protein due to nonsense mediated decay, which are commonly known mechanisms for disease. Truncations downstream of this position have been classified as pathogenic by our laboratory (eg. c.7360delA (p.Ile2454fsX13), c.7379_7380insG (p.Asn2460fsX15), and c.7419_7420delTG (p.Cys2473X)). The variant was absent in 30980 control chromosomes (gnomAD). To our knowledge, no occurrence of c.7270dupA in individuals affected with Hereditary Breast and Ovarian Cancer and no experimental evidence demonstrating its impact on protein function have been reported. No clinical diagnostic laboratories have submitted clinical-significance assessments for this variant to ClinVar after 2014. Based on the evidence outlined above, the variant was classified as likely pathogenic.

Literature cited by the submitters: PubMed 20104584 (cited by GeneKor MSA).